The following is an entry in ClinVar:

ClinVar aggregate classification (germline): Benign/Likely benign. Review status: criteria provided, multiple submitters, no conflicts (2 of 4 stars). 3 submissions from 3 submitters: Benign (1); Likely benign (2). Last evaluated 2025-05-05.

Conditions:
Tuberous sclerosis 2 (TSC2). Identifiers: Orphanet 805, MedGen C1860707, MONDO:0013199, OMIM 613254.
Hereditary cancer-predisposing syndrome. Also called: Neoplastic Syndromes, Hereditary; Hereditary neoplastic syndrome; Tumor predisposition; Hereditary Cancer Syndrome. Identifiers: Orphanet 140162, MedGen C0027672, MeSH D009386, MONDO:0015356.

Allele frequency attached by ClinVar (database versions not stated): gnomAD exomes below 0.00001.
gnomAD v4.1: 3 of 1,614,196 alleles (0.00019%); highest among the groups gnomAD compares: Non-Finnish European, 0.00025%; no homozygotes.

Submissions (3):

Myriad Genetics, Inc.
Classification: Benign for Tuberous sclerosis 2. Last evaluated: 2025-05-05. Review status: criteria provided, single submitter. Criteria: Myriad Autosomal Dominant, Autosomal Recessive and X-Linked Classification Criteria (2023). Collection method: clinical testing. Allele origin: unknown.
Comment: This variant is considered benign. This variant is a silent/synonymous amino acid change and it is not expected to impact splicing.

Labcorp Genetics (formerly Invitae), Labcorp
Classification: Likely benign for Tuberous sclerosis 2. Last evaluated: 2025-03-15. Review status: criteria provided, single submitter. Criteria: Invitae Variant Classification Sherloc (09022015). Collection method: clinical testing. Allele origin: germline.

Ambry Genetics
Classification: Likely benign for Hereditary cancer-predisposing syndrome. Last evaluated: 2023-09-27. Review status: criteria provided, single submitter. Criteria: Ambry Variant Classification Scheme 2023. Collection method: clinical testing. Allele origin: germline.

NM_000548.5(TSC2):c.405C>T (p.Asp135=)

Gene: TSC2 (TSC complex subunit 2; plus strand). Cytogenetic location: 16p13.3.
Variant type: single nucleotide variant.
Coding change: c.405C>T on transcript NM_000548.5 (MANE Select); coding-DNA position 405, C replaced by T.
Protein change: p.Asp135=; no amino-acid change (aspartic acid 135 retained).
Molecular consequence: synonymous variant. On other transcripts: intron variant (1).
Genome position (GRCh38, 1-based): chr16:2,054,364, C>T. VCF-style: chr16-2054364-C-T. GRCh37 (hg19) VCF-style: chr16-2104365-C-T.
Other names: c.405C>T, p.Asp135= (NM_001077183.3, NM_001114382.3, NM_001363528.2 and 3 more transcripts); c.294C>T, p.Asp98= (NM_001318827.2); c.258C>T, p.Asp86= (NM_001318829.2); c.438C>T, p.Asp146= (NM_001318832.2); c.-1-1832C>T (NM_001318831.2).
Identifiers: ClinVar variation 793712 (VCV000793712.12), dbSNP rs1005115266, ClinGen allele CA276771522.